The following is an entry in ClinVar:

ClinVar aggregate classification (germline): Uncertain significance. Review status: criteria provided, multiple submitters, no conflicts (2 of 4 stars). 2 submissions from 2 submitters: Uncertain significance (2). Last evaluated 2025-05-27.

Conditions:
Inborn genetic diseases. Identifiers: MedGen C0950123, MeSH D030342.

Allele frequency attached by ClinVar (database versions not stated): ExAC 0.00001; gnomAD exomes 0.00001.

Submissions (2):

Ambry Genetics
Classification: Uncertain significance for Inborn genetic diseases. Last evaluated: 2025-05-27. Review status: criteria provided, single submitter. Criteria: Ambry Variant Classification Scheme 2023. Collection method: clinical testing. Allele origin: germline.
Comment: The p.V1052M variant (also known as c.3154G>A), located in coding exon 24 of the ANKRD26 gene, results from a G to A substitution at nucleotide position 3154. The valine at codon 1052 is replaced by methionine, an amino acid with highly similar properties. This amino acid position is conserved. In addition, this alteration is predicted to be tolerated by in silico analysis. Based on the available evidence, the clinical significance of this variant remains unclear.

Labcorp Genetics (formerly Invitae), Labcorp
Classification: Uncertain significance. Last evaluated: 2022-12-02. Review status: criteria provided, single submitter. Criteria: Invitae Variant Classification Sherloc (09022015). Collection method: clinical testing. Allele origin: germline.
Comment: In summary, the available evidence is currently insufficient to determine the role of this variant in disease. Therefore, it has been classified as a Variant of Uncertain Significance. Algorithms developed to predict the effect of missense changes on protein structure and function output the following: SIFT: "Tolerated"; PolyPhen-2: "Benign"; Align-GVGD: "Class C0". The methionine amino acid residue is found in multiple mammalian species, which suggests that this missense change does not adversely affect protein function. This variant has not been reported in the literature in individuals affected with ANKRD26-related conditions. This variant is present in population databases (rs779017744, gnomAD 0.004%). This sequence change replaces valine, which is neutral and non-polar, with methionine, which is neutral and non-polar, at codon 1052 of the ANKRD26 protein (p.Val1052Met).

NM_014915.3(ANKRD26):c.3154G>A (p.Val1052Met)

Gene: ANKRD26 (ankyrin repeat domain 26; minus strand). Cytogenetic location: 10p12.1.
Variant type: single nucleotide variant.
Coding change: c.3154G>A on transcript NM_014915.3 (MANE Select); coding-DNA position 3154, G replaced by A.
Protein change: p.Val1052Met; replaces valine 1052 with methionine.
Molecular consequence: missense variant.
Genome position (GRCh38, 1-based): chr10:27,035,296, C>T on the plus strand (G>A on the coding strand, the complement: ANKRD26 is on the minus strand). VCF-style: chr10-27035296-C-T. GRCh37 (hg19) VCF-style: chr10-27324225-C-T.
Other names: c.3151G>A, p.Val1051Met (NM_001256053.2); short protein forms V1051M, V1052M.
Identifiers: ClinVar variation 2894550 (VCV002894550.4), dbSNP rs779017744, ClinGen allele CA5448088.
Genomic context (GRCh38, chr10:27,035,296, plus strand): 5'-TACTTTCAGTTTTAAATAGTTGTTGAGAAAGAATCTCATTGTTATCTTTTAGGTTAGACA[C>T]ATCAAAATTCATTTTGTCCTGTAAACGAGAACATTCATCTCTTGCTCTCTGGAAAGCAAG-3'
Protein context (NP_055730.2, residues 1042-1062): SRLQDKMNFD[Val1052Met]SNLKDNNEIL